The following is an entry in ClinVar:

ClinVar aggregate classification (germline): Uncertain significance (1 of 4 stars; one submission).

Conditions:
Hereditary cancer-predisposing syndrome. Also called: Hereditary neoplastic syndrome; Tumor predisposition; Hereditary Cancer Syndrome; Neoplastic Syndromes, Hereditary. Identifiers: Orphanet 140162, MedGen C0027672, MeSH D009386, MONDO:0015356.

Submission:

Ambry Genetics
Classification: Uncertain significance for Hereditary cancer-predisposing syndrome. Last evaluated: 2023-06-20. Review status: criteria provided, single submitter. Criteria: Ambry Variant Classification Scheme 2023. Collection method: clinical testing. Allele origin: germline.
Comment: The p.G216E variant (also known as c.647G>A), located in coding exon 5 of the SUFU gene, results from a G to A substitution at nucleotide position 647. The glycine at codon 216 is replaced by glutamic acid, an amino acid with similar properties. This amino acid position is highly conserved in available vertebrate species. In addition, this alteration is predicted to be deleterious by in silico analysis. Since supporting evidence is limited at this time, the clinical significance of this alteration remains unclear.

NM_016169.4(SUFU):c.647G>A (p.Gly216Glu)

Gene: SUFU (SUFU negative regulator of hedgehog signaling; plus strand). Cytogenetic location: 10q24.32.
Variant type: single nucleotide variant.
Coding change: c.647G>A on transcript NM_016169.4 (MANE Select); coding-DNA position 647, G replaced by A.
Protein change: p.Gly216Glu; replaces glycine 216 with glutamic acid.
Molecular consequence: missense variant.
Genome position (GRCh38, 1-based): chr10:102,593,685, G>A. VCF-style: chr10-102593685-G-A. GRCh37 (hg19) VCF-style: chr10-104353442-G-A.
Other names: c.647G>A, p.Gly216Glu (NM_001178133.2); short protein forms G216E.
Identifiers: ClinVar variation 2586919 (VCV002586919.2), dbSNP rs2545084806, ClinGen allele CA377909541.